The following is an entry in ClinVar:

ClinVar aggregate classification (germline): Uncertain significance. Review status: criteria provided, multiple submitters, no conflicts (2 of 4 stars). 3 submissions from 3 submitters: Uncertain significance (3). Last evaluated 2024-05-21.

Conditions:
Early-infantile DEE. Also called: Ohtahara syndrome; Early infantile epileptic encephalopathy with suppression bursts; Early infantile epileptic encephalopathy. Identifiers: Orphanet 1934, MedGen C0393706, MONDO:0800491.
Developmental and epileptic encephalopathy, 5 (DEE5). Identifiers: Orphanet 3451, MedGen C3150731, MONDO:0013277, OMIM 613477.

Allele frequency attached by ClinVar (database versions not stated): gnomAD 0.00003; 1000 Genomes Project 30x 0.00031.
gnomAD v4.1: 9 of 1,613,866 alleles (0.00056%); highest among the groups gnomAD compares: South Asian, 0.0011%; no homozygotes.

Submissions (3):

Labcorp Genetics (formerly Invitae), Labcorp
Classification: Uncertain significance for Early-infantile DEE. Last evaluated: 2024-05-21. Review status: criteria provided, single submitter. Criteria: Invitae Variant Classification Sherloc (09022015). Collection method: clinical testing. Allele origin: germline.
Comment: This sequence change replaces arginine, which is basic and polar, with cysteine, which is neutral and slightly polar, at codon 652 of the SPTAN1 protein (p.Arg652Cys). This variant is present in population databases (no rsID available, gnomAD 0.002%). This variant has not been reported in the literature in individuals affected with SPTAN1-related conditions. ClinVar contains an entry for this variant (Variation ID: 598610). Advanced modeling of protein sequence and biophysical properties (such as structural, functional, and spatial information, amino acid conservation, physicochemical variation, residue mobility, and thermodynamic stability) has been performed at Invitae for this missense variant, however the output from this modeling did not meet the statistical confidence thresholds required to predict the impact of this variant on SPTAN1 protein function. In summary, the available evidence is currently insufficient to determine the role of this variant in disease. Therefore, it has been classified as a Variant of Uncertain Significance.

Genomic Medicine Center of Excellence, King Faisal Specialist Hospital and Research Centre
Classification: Uncertain significance for Developmental and epileptic encephalopathy, 5. Last evaluated: 2024-04-04. Review status: criteria provided, single submitter. Criteria: ACMG Guidelines, 2015. Collection method: clinical testing. Allele origin: germline.

Eurofins Ntd Llc (ga)
Classification: Uncertain significance. Last evaluated: 2018-09-06. Review status: criteria provided, single submitter. Criteria: EGL ClinVar v180209 classification definitions. Collection method: clinical testing. Allele origin: germline. Observed: 1 variant allele, 1 heterozygote.

NM_001130438.3(SPTAN1):c.1954C>T (p.Arg652Cys)

Gene: SPTAN1 (spectrin alpha, non-erythrocytic 1; plus strand). Cytogenetic location: 9q34.11.
Variant type: single nucleotide variant.
Coding change: c.1954C>T on transcript NM_001130438.3 (MANE Select); coding-DNA position 1954, C replaced by T.
Protein change: p.Arg652Cys; replaces arginine 652 with cysteine.
Molecular consequence: missense variant.
Genome position (GRCh38, 1-based): chr9:128,583,224, C>T. VCF-style: chr9-128583224-C-T. GRCh37 (hg19) VCF-style: chr9-131345503-C-T.
Other names: c.1954C>T, p.Arg652Cys (NM_001195532.2, NM_001363759.2, NM_001363765.2 and 1 more transcripts); short protein forms R652C.
Identifiers: ClinVar variation 598610 (VCV000598610.8), dbSNP rs779838514, ClinGen allele CA375055805.